The following is an entry in ClinVar:

ClinVar aggregate classification (germline): Uncertain significance (1 of 4 stars; one submission).

Conditions:
NR2F2-related disorder. Also called: NR2F2-related condition.

Allele frequency attached by ClinVar (database versions not stated): gnomAD exomes below 0.00001.

Submission:

PreventionGenetics, part of Exact Sciences
Classification: Uncertain significance for NR2F2-related condition. Last evaluated: 2022-12-09. Review status: criteria provided, single submitter. Criteria: ACMG Guidelines, 2015. Collection method: clinical testing. Allele origin: germline.
Comment: The NR2F2 c.197C>T variant is predicted to result in the amino acid substitution p.Pro66Leu. To our knowledge, this variant has not been reported in the literature. This variant is reported in 0.0098% of alleles in individuals of African descent in gnomAD. At this time, the clinical significance of this variant is uncertain due to the absence of conclusive functional and genetic evidence.

NM_021005.4(NR2F2):c.197C>T (p.Pro66Leu)

Gene: NR2F2 (nuclear receptor subfamily 2 group F member 2; plus strand). Cytogenetic location: 15q26.2.
Variant type: single nucleotide variant.
Coding change: c.197C>T on transcript NM_021005.4 (MANE Select); coding-DNA position 197, C replaced by T.
Protein change: p.Pro66Leu; replaces proline 66 with leucine.
Molecular consequence: missense variant. On other transcripts: intron variant (1).
Genome position (GRCh38, 1-based): chr15:96,332,302, C>T. VCF-style: chr15-96332302-C-T. GRCh37 (hg19) VCF-style: chr15-96875531-C-T.
Other names: c.44-1774C>T (NM_001145155.2); short protein forms P66L.
Identifiers: ClinVar variation 2634144 (VCV002634144.1), dbSNP rs920446646, ClinGen allele CA393929805.